The following is an entry in ClinVar:

ClinVar aggregate classification (germline): Uncertain significance. Review status: criteria provided, multiple submitters, no conflicts (2 of 4 stars). 2 submissions from 2 submitters: Uncertain significance (2). Last evaluated 2023-07-31.

Conditions:
Early-infantile DEE. Also called: Ohtahara syndrome; Early infantile epileptic encephalopathy with suppression bursts; Early infantile epileptic encephalopathy. Identifiers: Orphanet 1934, MedGen C0393706, MONDO:0800491.

Allele frequency attached by ClinVar (database versions not stated): TOPMed below 0.00001; gnomAD 0.00001; gnomAD exomes 0.00001.
gnomAD v4.1: 10 of 1,613,782 alleles (0.00062%); highest among the groups gnomAD compares: African/African-American, 0.0013%; no homozygotes.

Submissions (2):

GeneDx
Classification: Uncertain significance. Last evaluated: 2023-07-31. Review status: criteria provided, single submitter. Criteria: GeneDx Variant Classification Process June 2021. Collection method: clinical testing. Allele origin: germline. Affected: yes.
Comment: Not observed at significant frequency in large population cohorts (gnomAD); Missense variants in this gene are often considered pathogenic (HGMD); In silico analysis supports that this missense variant has a deleterious effect on protein structure/function; Has not been previously published as pathogenic or benign to our knowledge; This substitution is predicted to be within the C-terminal cytoplasmic domain.

Labcorp Genetics (formerly Invitae), Labcorp
Classification: Uncertain significance for Early-infantile DEE. Last evaluated: 2019-11-27. Review status: criteria provided, single submitter. Criteria: Invitae Variant Classification Sherloc (09022015). Collection method: clinical testing. Allele origin: germline.
Comment: In summary, the available evidence is currently insufficient to determine the role of this variant in disease. Therefore, it has been classified as a Variant of Uncertain Significance. Algorithms developed to predict the effect of sequence changes on RNA splicing suggest that this variant may create or strengthen a splice site, but this prediction has not been confirmed by published transcriptional studies. Algorithms developed to predict the effect of missense changes on protein structure and function (SIFT, PolyPhen-2, Align-GVGD) all suggest that this variant is likely to be disruptive, but these predictions have not been confirmed by published functional studies and their clinical significance is uncertain. This variant has not been reported in the literature in individuals with SCN1A-related conditions. This variant is not present in population databases (ExAC no frequency). This sequence change replaces lysine with arginine at codon 1873 of the SCN1A protein (p.Lys1873Arg). The lysine residue is highly conserved and there is a small physicochemical difference between lysine and arginine.

NM_001165963.4(SCN1A):c.5618A>G (p.Lys1873Arg)

Genes: SCN1A (sodium voltage-gated channel alpha subunit 1; minus strand), LOC102724058 (uncharacterized LOC102724058; plus strand). Cytogenetic location: 2q24.3.
Variant type: single nucleotide variant.
Coding change: c.5618A>G on transcript NM_001165963.4 (MANE Select); coding-DNA position 5618, A replaced by G.
Protein change: p.Lys1873Arg; replaces lysine 1873 with arginine.
Molecular consequence: missense variant. On other transcripts: non-coding transcript variant (1).
Genome position (GRCh38, 1-based): chr2:165,991,657, T>C on the plus strand (A>G on the coding strand, the complement: SCN1A is on the minus strand). VCF-style: chr2-165991657-T-C. GRCh37 (hg19) VCF-style: chr2-166848167-T-C.
Other names: c.5534A>G, p.Lys1845Arg (NM_001165964.3, NM_001353957.2, NM_001353958.2); c.5618A>G, p.Lys1873Arg (NM_001202435.3, NM_001353948.2); c.5585A>G, p.Lys1862Arg (NM_001353949.2, NM_001353950.2, NM_001353951.2 and 2 more transcripts); c.5582A>G, p.Lys1861Arg (NM_001353954.2, NM_001353955.2); c.5531A>G, p.Lys1844Arg (NM_001353960.2); c.3176A>G, p.Lys1059Arg (NM_001353961.2); short protein forms K1059R, K1845R, K1844R, K1861R, K1862R, K1873R.
Identifiers: ClinVar variation 834138 (VCV000834138.11), dbSNP rs1689172357, ClinGen allele CA349065154.
Genomic context (GRCh38, chr2:165,991,657, plus strand): 5'-AATCGCTCTTCCATCTGTATTCGTAGAGCATCCATCTCTCCACTCTCTCCTAGAACCCGC[T>C]TTGTAAAAGCAAATAAGATATCAAGACAGTGGATCCGGTCACCACTCACCATGGGCAAAT-3'
Protein context (NP_001159435.1, residues 1863-1883): HCLDILFAFT[Lys1873Arg]RVLGESGEMD